The following is an entry in ClinVar:

NM_001276270.2(MBD4):c.1607A>G (p.Asn536Ser)

Gene: MBD4 (methyl-CpG binding domain 4, DNA glycosylase; minus strand). Cytogenetic location: 3q21.3.
Variant type: single nucleotide variant.
Coding change: c.1607A>G on transcript NM_001276270.2 (MANE Select); coding-DNA position 1607, A replaced by G.
Protein change: p.Asn536Ser; replaces asparagine 536 with serine.
Molecular consequence: missense variant. On other transcripts: intron variant (1).
Genome position (GRCh38, 1-based): chr3:129,432,543, T>C on the plus strand (A>G on the coding strand, the complement: MBD4 is on the minus strand). VCF-style: chr3-129432543-T-C. GRCh37 (hg19) VCF-style: chr3-129151386-T-C.
Other names: c.1625A>G, p.Asn542Ser (NM_001276271.2, NM_003925.3); c.671A>G, p.Asn224Ser (NM_001276273.2); c.1612+13A>G (NM_001276272.2); short protein forms N542S, N536S, N224S.
Identifiers: ClinVar variation 4624413 (VCV004624413.1).
Genomic context (GRCh38, chr3:129,432,543, plus strand): 5'-TGGATGGGAGTGAGCCTCACCTGCTTCCACTCATTGACACAAAAAATTCGGTAAGAGTCG[T>C]TGCCATATTTACCAATCCCATGAAGCTCAATTGGATACTTCCACTGCTTTGTCAGGTATT-3'
Protein context (NP_001263199.1, residues 526-546): IELHGIGKYG[Asn536Ser]DSYRIFCVNE

ClinVar aggregate classification (germline): Uncertain significance (1 of 4 stars; one submission).

Conditions:
Inborn genetic diseases. Identifiers: MedGen C0950123, MeSH D030342.

Submission:

Ambry Genetics
Classification: Uncertain significance for Inborn genetic diseases. Last evaluated: 2025-11-04. Review status: criteria provided, single submitter. Criteria: Ambry Variant Classification Scheme 2023. Collection method: clinical testing. Allele origin: germline.
Comment: The p.N536S variant (also known as c.1607A>G), located in coding exon 7 of the MBD4 gene, results from an A to G substitution at nucleotide position 1607. The asparagine at codon 536 is replaced by serine, an amino acid with highly similar properties. This amino acid position is conserved. In addition, this alteration is predicted to be tolerated by in silico analysis. Based on the available evidence, the clinical significance of this variant remains unclear.